The following is an entry in ClinVar:

NM_001005273.3(CHD3):c.5835C>T (p.Ala1945=)

Gene: CHD3 (chromodomain helicase DNA binding protein 3; plus strand). Cytogenetic location: 17p13.1.
Variant type: single nucleotide variant.
Coding change: c.5835C>T on transcript NM_001005273.3 (MANE Select); coding-DNA position 5835, C replaced by T.
Protein change: p.Ala1945=; no amino-acid change (alanine 1945 retained).
Molecular consequence: synonymous variant.
Genome position (GRCh38, 1-based): chr17:7,910,927, C>T. VCF-style: chr17-7910927-C-T. GRCh37 (hg19) VCF-style: chr17-7814245-C-T.
Other names: c.6012C>T, p.Ala2004= (NM_001005271.3); c.5733C>T, p.Ala1911= (NM_005852.4); c.6012C>T (NM_001005271.2).
Identifiers: ClinVar variation 2647441 (VCV002647441.25), dbSNP rs142929440, ClinGen allele CA8363796.
Genomic context (GRCh38, chr17:7,910,927, plus strand): 5'-CGCTACACCTCCGGGGTACGGGGCGGCCTTCAGCGCCGCACCCGTAGGGGCCCTGGCCGC[C>T]GCAGGCGCCAATTACAGCCAGATGCCTGCAGGGTCCTTCATCACAGGTCAGCTGGTGTTT-3'
Protein context (NP_001005273.1, residues 1935-1955): FSAAPVGALA[Ala1945=]AGANYSQMPA

ClinVar aggregate classification (germline): Likely benign. Review status: criteria provided, single submitter (1 of 4 stars). 2 submissions from 2 submitters: Likely benign (1). 1 of the submissions does not count toward it. Last evaluated 2026-03-01.

Conditions:
CHD3-related disorder. Also called: CHD3-related condition.

Allele frequency attached by ClinVar (database versions not stated): ExAC 0.00002; gnomAD 0.00002; gnomAD exomes 0.00002; TOPMed 0.00002; ESP Exome Variant Server 0.00008.
gnomAD v4.1: 41 of 1,613,594 alleles (0.0025%); highest among the groups gnomAD compares: Admixed American, 0.017%; no homozygotes.

Submissions (2):

CeGaT Center for Human Genetics Tuebingen
Classification: Likely benign. Last evaluated: 2026-03-01. Review status: criteria provided, single submitter. Criteria: CeGaT Center For Human Genetics Tuebingen Variant Classification Criteria Version 2. Collection method: clinical testing. Allele origin: germline. Affected: yes. Observed: 2 variant alleles.
Comment: CHD3: BP4

PreventionGenetics, part of Exact Sciences
Classification: Likely benign for CHD3-related condition. Last evaluated: 2024-09-12. Review status: no assertion criteria provided. Collection method: clinical testing. Allele origin: germline. Not counted in ClinVar's aggregate classification.
Comment: This variant is classified as likely benign based on ACMG/AMP sequence variant interpretation guidelines (Richards et al. 2015 PMID: 25741868, with internal and published modifications).